The following is an entry in ClinVar:

NM_005996.4(TBX3):c.1947C>A (p.Pro649=)

Gene: TBX3 (T-box transcription factor 3; minus strand). Cytogenetic location: 12q24.21.
Variant type: single nucleotide variant.
Coding change: c.1947C>A on transcript NM_005996.4 (MANE Select); coding-DNA position 1947, C replaced by A.
Protein change: p.Pro649=; no amino-acid change (proline 649 retained).
Molecular consequence: synonymous variant.
Genome position (GRCh38, 1-based): chr12:114,672,066, G>T on the plus strand (C>A on the coding strand, the complement: TBX3 is on the minus strand). VCF-style: chr12-114672066-G-T. GRCh37 (hg19) VCF-style: chr12-115109871-G-T.
Other names: c.2007C>A (NM_016569.3); c.2007C>A, p.Pro669= (NM_016569.4).
Identifiers: ClinVar variation 2911791 (VCV002911791.4), dbSNP rs746846792, ClinGen allele CA482135961.

ClinVar aggregate classification (germline): Likely benign. Review status: criteria provided, multiple submitters, no conflicts (2 of 4 stars). 2 submissions from 2 submitters: Likely benign (2). Last evaluated 2026-08-26.

Conditions:
TBX3-related disorder. Also called: TBX3-related condition.
Ulnar-mammary syndrome (UMS). Also called: Ulnar-mammary syndrome of Pallister; SCHINZEL SYNDROME; PALLISTER ULNAR-MAMMARY SYNDROME. Identifiers: Orphanet 3138, MedGen C1866994, MONDO:0008411, OMIM 181450.

Allele frequency attached by ClinVar (database versions not stated): gnomAD exomes below 0.00001.

Submissions (2):

PreventionGenetics, part of Exact Sciences
Classification: Likely benign for TBX3-related condition. Last evaluated: 2026-08-26. Review status: criteria provided, single submitter. Criteria: ACMG Guidelines, 2015. Collection method: clinical testing. Allele origin: germline.
Comment: This variant is classified as likely benign based on ACMG/AMP sequence variant interpretation guidelines (Richards et al. 2015 PMID: 25741868, with internal and published modifications).

Labcorp Genetics (formerly Invitae), Labcorp
Classification: Likely benign for Ulnar-mammary syndrome. Last evaluated: 2023-09-25. Review status: criteria provided, single submitter. Criteria: Invitae Variant Classification Sherloc (09022015). Collection method: clinical testing. Allele origin: germline.